The following is an entry in ClinVar:

ClinVar aggregate classification (germline): Likely benign (1 of 4 stars; one submission).

Submission:

CeGaT Center for Human Genetics Tuebingen
Classification: Likely benign. Last evaluated: 2026-05-01. Review status: criteria provided, single submitter. Criteria: CeGaT Center For Human Genetics Tuebingen Variant Classification Criteria Version 2. Collection method: clinical testing. Allele origin: germline. Affected: yes. Observed: 2 variant alleles.
Comment: SLX4: PM2:Supporting, BP4, BP7

NM_032444.4(SLX4):c.5223T>C (p.Ser1741=)

Gene: SLX4 (SLX4 structure-specific endonuclease subunit; minus strand). Cytogenetic location: 16p13.3.
Variant type: single nucleotide variant.
Coding change: c.5223T>C on transcript NM_032444.4 (MANE Select); coding-DNA position 5223, T replaced by C.
Protein change: p.Ser1741=; no amino-acid change (serine 1741 retained).
Molecular consequence: synonymous variant.
Genome position (GRCh38, 1-based): chr16:3,582,624, A>G on the plus strand (T>C on the coding strand, the complement: SLX4 is on the minus strand). VCF-style: chr16-3582624-A-G. GRCh37 (hg19) VCF-style: chr16-3632625-A-G.
Identifiers: ClinVar variation 3234381 (VCV003234381.20), dbSNP rs200262630, ClinGen allele CA493390711.